The following is an entry in ClinVar:

NM_000051.4(ATM):c.7157C>A (p.Ala2386Glu)

Genes: C11orf65 (chromosome 11 open reading frame 65; minus strand), ATM (ATM serine/threonine kinase; plus strand). Cytogenetic location: 11q22.3.
Variant type: single nucleotide variant.
Coding change: c.7157C>A on transcript NM_000051.4 (MANE Select); coding-DNA position 7157, C replaced by A.
Protein change: p.Ala2386Glu; replaces alanine 2386 with glutamic acid.
Molecular consequence: missense variant. On other transcripts: intron variant (2).
Genome position (GRCh38, 1-based): chr11:108,329,088, C>A. VCF-style: chr11-108329088-C-A. GRCh37 (hg19) VCF-style: chr11-108199815-C-A.
Other names: c.7157C>A, p.Ala2386Glu (NM_001351834.2); c.641-20017G>T (NM_001330368.2); c.*38+6132G>T (NM_001351110.2); short protein forms A2386E.
Identifiers: ClinVar variation 187391 (VCV000187391.19), dbSNP rs786203697, ClinGen allele CA197532.

ClinVar aggregate classification (germline): Conflicting classifications of pathogenicity. Review status: criteria provided, conflicting classifications (1 of 4 stars). 4 submissions from 4 submitters: Likely pathogenic (2); Uncertain significance (2). Last evaluated 2025-11-05.

Conditions:
Hereditary cancer-predisposing syndrome. Also called: Hereditary Cancer Syndrome; Tumor predisposition; Neoplastic Syndromes, Hereditary; Hereditary neoplastic syndrome. Identifiers: Orphanet 140162, MedGen C0027672, MeSH D009386, MONDO:0015356.
Familial cancer of breast. Also called: hereditary breast carcinoma; BREAST CANCER, FAMILIAL; Hereditary breast cancer. Identifiers: Orphanet 227535, MedGen C0346153, MONDO:0016419, OMIM 114480. Disease mechanism: loss of function.
Ataxia-telangiectasia syndrome (AT). Also called: ATAXIA-TELANGIECTASIA, COMPLEMENTATION GROUP A; ATAXIA-TELANGIECTASIA, FRESNO VARIANT; Ataxia-telangiectasia; Ataxia-telangiectasia, complementation group E; Cerebello-oculocutaneous telangiectasia; Immunodeficiency with ataxia telangiectasia. Identifiers: Orphanet 100, MedGen C0004135, MONDO:0008840, OMIM 208900.

Allele frequency attached by ClinVar (database versions not stated): gnomAD 0.00001; gnomAD exomes below 0.00001.
gnomAD v4.1: 1 of 1,613,938 alleles (0.000062%); highest among the groups gnomAD compares: African/African-American, 0.0013%; no homozygotes.

Submissions (4):

Ambry Genetics
Classification: Uncertain significance for Hereditary cancer-predisposing syndrome. Last evaluated: 2025-11-05. Review status: criteria provided, single submitter. Criteria: Ambry Variant Classification Scheme 2023. Collection method: clinical testing. Allele origin: germline.
Comment: The p.A2386E variant (also known as c.7157C>A), located in coding exon 48 of the ATM gene, results from a C to A substitution at nucleotide position 7157. The alanine at codon 2386 is replaced by glutamic acid, an amino acid with dissimilar properties. This alteration was identified as homozygous in two Lebanese siblings with features of ataxia telangiectasia (A-T) and determined to have an &ldquo;atypical&rdquo; phenotype. In vitro studies using patient-derived cell lines showed reduced, but not absent, protein levels, reduced response to heat treatment suggesting protein instability, and levels of p53-MCL similar to what is observed for A-T heterozygous carriers (Biagiotti S et al. Front Genet, 2021 Oct;12:759467). This alteration was also detected in a cohort of 36 patients with A-T in another patient with &ldquo;atypical&rdquo; phenotype. ATM protein levels were 40% of wild-type, and kinase activity was considered "intermediary" (Fi&eacute;vet A et al. Hum Mutat, 2019 Oct;40:1713-1730). This amino acid position is highly conserved in available vertebrate species. In addition, this alteration is predicted to be deleterious by in silico analysis. Based on the available evidence, the clinical significance of this variant remains unclear.

Labcorp Genetics (formerly Invitae), Labcorp
Classification: Likely pathogenic for Ataxia-telangiectasia syndrome. Last evaluated: 2025-10-13. Review status: criteria provided, single submitter. Criteria: Invitae Variant Classification Sherloc (09022015). Collection method: clinical testing. Allele origin: germline.
Comment: This sequence change replaces alanine, which is neutral and non-polar, with glutamic acid, which is acidic and polar, at codon 2386 of the ATM protein (p.Ala2386Glu). This variant is present in population databases (rs786203697, gnomAD 0.008%). This missense change has been observed in individual(s) with clinical features of ataxia-telangiectasia (PMID: 31050087, 34759960). It has also been observed to segregate with disease in related individuals. ClinVar contains an entry for this variant (Variation ID: 187391). Invitae Evidence Modeling of protein sequence and biophysical properties (such as structural, functional, and spatial information, amino acid conservation, physicochemical variation, residue mobility, and thermodynamic stability) has been performed for this missense variant. However, the output from this modeling did not meet the statistical confidence thresholds required to predict the impact of this variant on ATM protein function. Experimental studies have shown that this missense change affects ATM function (PMID: 31050087, 34759960). In summary, the currently available evidence indicates that the variant is pathogenic, but additional data are needed to prove that conclusively. Therefore, this variant has been classified as Likely Pathogenic.

Fulgent Genetics
Classification: Likely pathogenic for Familial cancer of breast; Ataxia-telangiectasia syndrome. Last evaluated: 2024-03-21. Review status: criteria provided, single submitter. Criteria: ACMG Guidelines, 2015. Collection method: clinical testing. Allele origin: germline.

GeneDx
Classification: Uncertain significance. Last evaluated: 2016-03-21. Review status: criteria provided, single submitter. Criteria: GeneDx Variant Classification (06012015). Collection method: clinical testing. Allele origin: germline. Affected: yes.
Comment: This variant is denoted ATM c.7157C>A at the cDNA level, p.Ala2386Glu (A2386E) at the protein level, and results in the change of an Alanine to a Glutamic Acid (GCA>GAA). This variant has not, to our knowledge, been published in the literature as pathogenic or benign. ATM Ala2386Glu was not observed in approximately 6,500 individuals of European and African American ancestry in the NHLBI Exome Sequencing Project, suggesting it is not a common benign variant in these populations. Since Alanine and Glutamic Acid differ in polarity, charge, size or other properties, this is considered a non-conservative amino acid substitution. ATM Ala2386Glu occurs at a position that is conserved across species and is located in the FAT domain (Tavtigian 2009, Stracker 2013). In silico analyses predict that this variant is probably damaging to protein structure and function. Based on currently available evidence, it is unclear whether ATM Ala2386Glu is a pathogenic or benign variant. We consider it to be a variant of uncertain significance.

Literature cited by the submitters: PubMed 31050087 (cited by Ambry Genetics and Labcorp Genetics (formerly Invitae), Labcorp); PubMed 34759960 (cited by Ambry Genetics and Labcorp Genetics (formerly Invitae), Labcorp).